The following is an entry in ClinVar:

NM_015141.4(GPD1L):c.739G>A (p.Gly247Ser)

Gene: GPD1L (glycerol-3-phosphate dehydrogenase 1 like; plus strand). Cytogenetic location: 3p22.3.
Variant type: single nucleotide variant.
Coding change: c.739G>A on transcript NM_015141.4 (MANE Select); coding-DNA position 739, G replaced by A.
Protein change: p.Gly247Ser; replaces glycine 247 with serine.
Molecular consequence: missense variant.
Genome position (GRCh38, 1-based): chr3:32,158,996, G>A. VCF-style: chr3-32158996-G-A. GRCh37 (hg19) VCF-style: chr3-32200488-G-A.
Other names: short protein forms G247S.
Identifiers: ClinVar variation 1359390 (VCV001359390.3), dbSNP rs766090919, ClinGen allele CA351969280.

ClinVar aggregate classification (germline): Uncertain significance (1 of 4 stars; one submission).

Conditions:
Brugada syndrome. Also called: Sudden unexplained nocturnal death syndrome; Sudden Unexplained Nocturnal Death Syndrome (SUNDS); Sudden Unexplained Death Syndrome; Sudden unexpected nocturnal death syndrome. Identifiers: Orphanet 130, MedGen C1142166, MONDO:0015263.

Submission:

Labcorp Genetics (formerly Invitae), Labcorp
Classification: Uncertain significance for Brugada syndrome. Last evaluated: 2021-08-27. Review status: criteria provided, single submitter. Criteria: Invitae Variant Classification Sherloc (09022015). Collection method: clinical testing. Allele origin: germline.
Comment: This sequence change replaces glycine with serine at codon 247 of the GPD1L protein (p.Gly247Ser). The glycine residue is moderately conserved and there is a small physicochemical difference between glycine and serine. This variant is not present in population databases (ExAC no frequency). This variant has not been reported in the literature in individuals affected with GPD1L-related conditions. Algorithms developed to predict the effect of missense changes on protein structure and function (SIFT, PolyPhen-2, Align-GVGD) all suggest that this variant is likely to be tolerated. In summary, the available evidence is currently insufficient to determine the role of this variant in disease. Therefore, it has been classified as a Variant of Uncertain Significance.